The following is an entry in ClinVar:

ClinVar aggregate classification (germline): Uncertain significance (1 of 4 stars; one submission).

Conditions:
Baller-Gerold syndrome (BGS). Also called: CRANIOSYNOSTOSIS WITH RADIAL DEFECTS. Identifiers: Orphanet 1225, MedGen C0265308, MONDO:0009039, OMIM 218600.

Submission:

Labcorp Genetics (formerly Invitae), Labcorp
Classification: Uncertain significance for Baller-Gerold syndrome. Last evaluated: 2022-09-19. Review status: criteria provided, single submitter. Criteria: Invitae Variant Classification Sherloc (09022015). Collection method: clinical testing. Allele origin: germline.
Comment: In summary, the available evidence is currently insufficient to determine the role of this variant in disease. Therefore, it has been classified as a Variant of Uncertain Significance. Experimental studies and prediction algorithms are not available or were not evaluated, and the functional significance of this variant is currently unknown. This variant has not been reported in the literature in individuals affected with RECQL4-related conditions. This variant is not present in population databases (gnomAD no frequency). This sequence change replaces valine, which is neutral and non-polar, with glycine, which is neutral and non-polar, at codon 993 of the RECQL4 protein (p.Val993Gly).

NM_004260.4(RECQL4):c.2978T>G (p.Val993Gly)

Gene: RECQL4 (RecQ like helicase 4; minus strand). Cytogenetic location: 8q24.3.
Variant type: single nucleotide variant.
Coding change: c.2978T>G on transcript NM_004260.4 (MANE Select); coding-DNA position 2978, T replaced by G.
Protein change: p.Val993Gly; replaces valine 993 with glycine.
Molecular consequence: missense variant.
Genome position (GRCh38, 1-based): chr8:144,512,469, A>C on the plus strand (T>G on the coding strand, the complement: RECQL4 is on the minus strand). VCF-style: chr8-144512469-A-C. GRCh37 (hg19) VCF-style: chr8-145737852-A-C.
Other names: c.2684T>G, p.Val895Gly (NM_001413017.1); c.2780T>G, p.Val927Gly (NM_001413018.1); c.3053T>G, p.Val1018Gly (NM_001413019.1); c.2882T>G, p.Val961Gly (NM_001413020.1); c.1907T>G, p.Val636Gly (NM_001413021.1, NM_001413022.1, NM_001413024.1 and 4 more transcripts); c.1982T>G, p.Val661Gly (NM_001413023.1); c.2849T>G, p.Val950Gly (NM_001413025.1); c.1841T>G, p.Val614Gly (NM_001413027.1, NM_001413030.1, NM_001413032.1); and 9 more; short protein forms V614G, V636G, V876G, V570G, V626G, V639G, V949G, V983G.
Identifiers: ClinVar variation 2149062 (VCV002149062.4), dbSNP rs2130662892, ClinGen allele CA372673009.
Genomic context (GRCh38, chr8:144,512,469, plus strand): 5'-TCCCACTGCAGCTGGCAGAGAGCCCGCCGCACAGAGGCCAGCTCCCAGCCCATGGAGTCC[A>C]CCAGCTTGACCATGTCAAACTCCACGGAGCTGCTGCCTTGCCCTGGGTCCTCAGGCAGCT-3'
Protein context (NP_004251.4, residues 983-1003): SSVEFDMVKL[Val993Gly]DSMGWELASV